The following is an entry in ClinVar:

ClinVar aggregate classification (germline): Uncertain significance (1 of 4 stars; one submission).

Conditions:
Fanconi anemia (FA). Also called: Fanconi's anemia. Identifiers: Orphanet 84, MedGen C0015625, MeSH D005199, MONDO:0019391.

Allele frequency attached by ClinVar (database versions not stated): gnomAD exomes below 0.00001; ExAC 0.00001; TOPMed 0.00001.

Submission:

Labcorp Genetics (formerly Invitae), Labcorp
Classification: Uncertain significance for Fanconi anemia. Last evaluated: 2023-11-29. Review status: criteria provided, single submitter. Criteria: Invitae Variant Classification Sherloc (09022015). Collection method: clinical testing. Allele origin: germline.
Comment: This sequence change replaces arginine, which is basic and polar, with glutamine, which is neutral and polar, at codon 1666 of the SLX4 protein (p.Arg1666Gln). This variant is present in population databases (rs772475203, gnomAD 0.0009%). This variant has not been reported in the literature in individuals affected with SLX4-related conditions. Algorithms developed to predict the effect of missense changes on protein structure and function output the following: SIFT: "Not Available"; PolyPhen-2: "Benign"; Align-GVGD: "Not Available". The glutamine amino acid residue is found in multiple mammalian species, which suggests that this missense change does not adversely affect protein function. In summary, the available evidence is currently insufficient to determine the role of this variant in disease. Therefore, it has been classified as a Variant of Uncertain Significance.

NM_032444.4(SLX4):c.4997G>A (p.Arg1666Gln)

Gene: SLX4 (SLX4 structure-specific endonuclease subunit; minus strand). Cytogenetic location: 16p13.3.
Variant type: single nucleotide variant.
Coding change: c.4997G>A on transcript NM_032444.4 (MANE Select); coding-DNA position 4997, G replaced by A.
Protein change: p.Arg1666Gln; replaces arginine 1666 with glutamine.
Molecular consequence: missense variant.
Genome position (GRCh38, 1-based): chr16:3,583,253, C>T on the plus strand (G>A on the coding strand, the complement: SLX4 is on the minus strand). VCF-style: chr16-3583253-C-T. GRCh37 (hg19) VCF-style: chr16-3633254-C-T.
Other names: short protein forms R1666Q.
Identifiers: ClinVar variation 2696676 (VCV002696676.3), dbSNP rs772475203, ClinGen allele CA7865447.
Genomic context (GRCh38, chr16:3,583,253, plus strand): 5'-GCCTCCTTGGTGGGCGACCTGCTTGGGGGTGTGATGCTTTCATGATGCTTCCTTTGATGT[C>T]GGGGGCCCTTGGTCTTAGCAGGTCCCTTGGGCCTATGGGCCCCAGGTCCTGTGGTGGCCT-3'
Protein context (NP_115820.2, residues 1656-1676): PKGPAKTKGP[Arg1666Gln]HQRKHHESIT